The following is an entry in ClinVar:

ClinVar aggregate classification (germline): Pathogenic (1 of 4 stars; one submission).

Conditions:
Cohen syndrome (COH1). Also called: Cutis verticis gyrata, retinitis pigmentosa, and sensorineural deafness; PEPPER SYNDROME. Identifiers: Orphanet 193, MedGen C0265223, MONDO:0008999, OMIM 216550.

Submission:

Labcorp Genetics (formerly Invitae), Labcorp
Classification: Pathogenic for Cohen syndrome. Last evaluated: 2025-08-06. Review status: criteria provided, single submitter. Criteria: Invitae Variant Classification Sherloc (09022015). Collection method: clinical testing. Allele origin: germline.
Comment: This sequence change creates a premature translational stop signal (p.Asp25Glufs*38) in the VPS13B gene. It is expected to result in an absent or disrupted protein product. Loss-of-function variants in VPS13B are known to be pathogenic (PMID: 15141358, 16648375, 20461111). This variant is not present in population databases (gnomAD no frequency). This variant has not been reported in the literature in individuals affected with VPS13B-related conditions. For these reasons, this variant has been classified as Pathogenic.

Literature cited by the submitters: PubMed 15141358; PubMed 16648375; PubMed 20461111.

NM_152564.5(VPS13B):c.75_79del (p.Asp25fs)

Gene: VPS13B (vacuolar protein sorting 13 homolog B; plus strand). Cytogenetic location: 8q22.2.
Variant type: Deletion.
Coding change: c.75_79del on transcript NM_152564.5 (MANE Select); coding-DNA positions 75 to 79, 5 bases deleted (TCTAC; older notation c.75_79delTCTAC).
Protein change: p.Asp25fs; shifts the reading frame from aspartic acid 25.
Molecular consequence: frameshift variant. On other transcripts: non-coding transcript variant (1).
Genome position (GRCh38, 1-based): chr8:99,013,863-99,013,867, TCTAC deleted. VCF-style (leftmost placement, unchanged base first): chr8-99013862-ATCTAC-A. GRCh37 (hg19) VCF-style: chr8-100026090-ATCTAC-A.
Other names: c.75_79del, p.Asp25fs (NM_015243.3, NM_017890.5, NM_181661.3); short protein forms D25fs.
Identifiers: ClinVar variation 4724779 (VCV004724779.1).